The following is an entry in ClinVar:

NM_198239.2(CCN6):c.589+2T>C

Gene: CCN6 (cellular communication network factor 6; plus strand). Cytogenetic location: 6q21.
Variant type: single nucleotide variant.
Coding change: c.589+2T>C on transcript NM_198239.2 (MANE Select); the canonical splice donor site of the intron after coding-DNA position 589, T replaced by C.
Molecular consequence: splice donor variant.
Genome position (GRCh38, 1-based): chr6:112,064,999, T>C. VCF-style: chr6-112064999-T-C. GRCh37 (hg19) VCF-style: chr6-112386202-T-C.
Other names: c.589+2T>C (NM_003880.4).
Identifiers: ClinVar variation 3720710 (VCV003720710.2).

ClinVar aggregate classification (germline): Pathogenic (1 of 4 stars; one submission).

gnomAD v4.1: 1 of 1,614,016 alleles (0.000062%); highest among the groups gnomAD compares: East Asian, 0.0022%; no homozygotes.

Submission:

Labcorp Genetics (formerly Invitae), Labcorp
Classification: Pathogenic. Last evaluated: 2024-02-01. Review status: criteria provided, single submitter. Criteria: Invitae Variant Classification Sherloc (09022015). Collection method: clinical testing. Allele origin: germline.
Comment: This sequence change affects a donor splice site in intron 4 of the WISP3 gene. It is expected to disrupt RNA splicing. Variants that disrupt the donor or acceptor splice site typically lead to a loss of protein function (PMID: 16199547), and loss-of-function variants in WISP3 are known to be pathogenic (PMID: 22791401). This variant is present in population databases (no rsID available, gnomAD 0.006%). Disruption of this splice site has been observed in individuals with progressive pseudorheumatoid dysplasia (PPAC) (PMID: 32351055, 34430442). This variant is also known as c.643+2T>C. Algorithms developed to predict the effect of sequence changes on RNA splicing suggest that this variant may disrupt the consensus splice site. For these reasons, this variant has been classified as Pathogenic.

Literature cited by the submitters: PubMed 16199547; PubMed 22791401; PubMed 32351055; PubMed 34430442.